The following is an entry in ClinVar:

NM_032590.5(KDM2B):c.3162G>T (p.Ser1054=)

Gene: KDM2B (lysine demethylase 2B; minus strand). Cytogenetic location: 12q24.31.
Variant type: single nucleotide variant.
Coding change: c.3162G>T on transcript NM_032590.5 (MANE Select); coding-DNA position 3162, G replaced by T.
Protein change: p.Ser1054=; no amino-acid change (serine 1054 retained).
Molecular consequence: synonymous variant.
Genome position (GRCh38, 1-based): chr12:121,442,279, C>A on the plus strand (G>T on the coding strand, the complement: KDM2B is on the minus strand). VCF-style: chr12-121442279-C-A. GRCh37 (hg19) VCF-style: chr12-121880082-C-A.
Other names: c.2955G>T, p.Ser985= (NM_001005366.2).
Identifiers: ClinVar variation 3035893 (VCV003035893.2), dbSNP rs782443488, ClinGen allele CA6836295.

ClinVar aggregate classification (germline): Likely benign (0 of 4 stars; one submission).

Conditions:
KDM2B-related disorder. Also called: KDM2B-related condition.

gnomAD v4.1: 33 of 1,611,868 alleles (0.002%); highest among the groups gnomAD compares: Non-Finnish European, 0.0025%; no homozygotes.

Submission:

PreventionGenetics, part of Exact Sciences
Classification: Likely benign for KDM2B-related condition. Last evaluated: 2019-08-09. Review status: no assertion criteria provided. Collection method: clinical testing. Allele origin: germline.
Comment: This variant is classified as likely benign based on ACMG/AMP sequence variant interpretation guidelines (Richards et al. 2015 PMID: 25741868, with internal and published modifications).